The following is an entry in ClinVar:

NM_006267.5(RANBP2):c.1816T>C (p.Trp606Arg)

Gene: RANBP2 (RAN binding protein 2; plus strand). Cytogenetic location: 2q13.
Variant type: single nucleotide variant.
Coding change: c.1816T>C on transcript NM_006267.5 (MANE Select); coding-DNA position 1816, T replaced by C.
Protein change: p.Trp606Arg; replaces tryptophan 606 with arginine.
Molecular consequence: missense variant.
Genome position (GRCh38, 1-based): chr2:108,753,058, T>C. VCF-style: chr2-108753058-T-C. GRCh37 (hg19) VCF-style: chr2-109369514-T-C.
Other names: short protein forms W606R.
Identifiers: ClinVar variation 1427260 (VCV001427260.9), dbSNP rs1159089490, ClinGen allele CA348051469.

ClinVar aggregate classification (germline): Uncertain significance (1 of 4 stars; one submission).

Conditions:
Familial acute necrotizing encephalopathy (IIAE3). Also called: ENCEPHALOPATHY, ACUTE, INFECTION-INDUCED, SUSCEPTIBILITY TO, 3; Susceptibility to Acute Necrotizing Encephalopathy 1. Identifiers: Orphanet 88619, MedGen C2675556, MONDO:0011953, OMIM 608033.

Allele frequency attached by ClinVar (database versions not stated): gnomAD exomes below 0.00001.
gnomAD v4.1: 1 of 1,609,854 alleles (0.000062%); highest among the groups gnomAD compares: Admixed American, 0.0017%; no homozygotes.

Submission:

Labcorp Genetics (formerly Invitae), Labcorp
Classification: Uncertain significance for Familial acute necrotizing encephalopathy. Last evaluated: 2021-05-12. Review status: criteria provided, single submitter. Criteria: Invitae Variant Classification Sherloc (09022015). Collection method: clinical testing. Allele origin: germline.
Comment: Algorithms developed to predict the effect of missense changes on protein structure and function are either unavailable or do not agree on the potential impact of this missense change (SIFT: "Deleterious"; PolyPhen-2: "Benign"; Align-GVGD: "Class C65"). In summary, the available evidence is currently insufficient to determine the role of this variant in disease. Therefore, it has been classified as a Variant of Uncertain Significance. This sequence change replaces tryptophan with arginine at codon 606 of the RANBP2 protein (p.Trp606Arg). The tryptophan residue is highly conserved and there is a moderate physicochemical difference between tryptophan and arginine. This variant is not present in population databases (ExAC no frequency). This variant has not been reported in the literature in individuals with RANBP2-related conditions.